The following is an entry in ClinVar:

ClinVar aggregate classification (germline): Likely benign. Review status: criteria provided, multiple submitters, no conflicts (2 of 4 stars). 3 submissions from 3 submitters: Likely benign (3). Last evaluated 2026-09-25.

Conditions:
BAP1-related disorder. Also called: BAP1-related condition.
BAP1-related tumor predisposition syndrome (TPDS1). Also called: Tumor susceptibility linked to germline BAP1 mutations; COMMON Syndrome; BAP1 tumor predisposition syndrome; TUMOR PREDISPOSITION SYNDROME 1. Identifiers: Orphanet 289539, MedGen C3280492, MONDO:0013692, OMIM 614327.

Allele frequency attached by ClinVar (database versions not stated): ExAC 0.00007; gnomAD 0.00010; ESP Exome Variant Server 0.00015; TOPMed 0.00015.
gnomAD v4.1: 312 of 1,612,888 alleles (0.019%); highest among the groups gnomAD compares: Non-Finnish European, 0.025%; no homozygotes.

Submissions (3):

PreventionGenetics, part of Exact Sciences
Classification: Likely benign for BAP1-related condition. Last evaluated: 2026-09-25. Review status: criteria provided, single submitter. Criteria: ACMG Guidelines, 2015. Collection method: clinical testing. Allele origin: germline.
Comment: This variant is classified as likely benign based on ACMG/AMP sequence variant interpretation guidelines (Richards et al. 2015 PMID: 25741868, with internal and published modifications).

Labcorp Genetics (formerly Invitae), Labcorp
Classification: Likely benign for BAP1-related tumor predisposition syndrome. Last evaluated: 2026-02-03. Review status: criteria provided, single submitter. Criteria: Invitae Variant Classification Sherloc (09022015). Collection method: clinical testing. Allele origin: germline.

Center for Genomic Medicine, Rigshospitalet, Copenhagen University Hospital
Classification: Likely benign. Last evaluated: 2025-12-29. Review status: criteria provided, single submitter. Criteria: ACMG Guidelines, 2015. Collection method: clinical testing. Allele origin: germline.

NM_004656.4(BAP1):c.37+28G>A

Gene: BAP1 (BRCA1 associated deubiquitinase 1; minus strand). Cytogenetic location: 3p21.1.
Variant type: single nucleotide variant.
Coding change: c.37+28G>A on transcript NM_004656.4 (MANE Select); 28 bases into the intron after coding-DNA position 37, G replaced by A.
Molecular consequence: intron variant.
Genome position (GRCh38, 1-based): chr3:52,409,814, C>T on the plus strand (G>A on the coding strand, the complement: BAP1 is on the minus strand). VCF-style: chr3-52409814-C-T. GRCh37 (hg19) VCF-style: chr3-52443830-C-T.
Other names: c.37+28G>A (NM_001410772.1, NM_004656.3).
Identifiers: ClinVar variation 2906656 (VCV002906656.5), dbSNP rs368881929, ClinGen allele CA2437255.
Genomic context (GRCh38, chr3:52,409,814, plus strand): 5'-CGACAAGAGGAGGGGGTGATGGTCAGGCAGGCGCGTCCCGGGCCCATCCGGCCTCCCCAG[C>T]CCCTGGCCCTCCCGGTCCCCTCCTCACCTGGGTCGCTCTCCAGCTCCAGCCAGCCCTTAT-3'